The following is an entry in ClinVar:

ClinVar aggregate classification (germline): Uncertain significance. Review status: criteria provided, multiple submitters, no conflicts (2 of 4 stars). 3 submissions from 3 submitters: Uncertain significance (3). Last evaluated 2025-08-12.

Conditions:
Hereditary cancer-predisposing syndrome. Also called: Hereditary neoplastic syndrome; Neoplastic Syndromes, Hereditary; Hereditary Cancer Syndrome; Tumor predisposition. Identifiers: Orphanet 140162, MedGen C0027672, MeSH D009386, MONDO:0015356.
Hereditary diffuse gastric adenocarcinoma (HDGC). Also called: DIFFUSE GASTRIC AND LOBULAR BREAST CANCER SYNDROME. Identifiers: Orphanet 26106, MedGen C1708349, MONDO:0007648, OMIM 137215.

Allele frequency attached by ClinVar (database versions not stated): gnomAD exomes below 0.00001.
gnomAD v4.1: 2 of 1,614,054 alleles (0.00012%); highest among the groups gnomAD compares: Non-Finnish European, 0.00017%; no homozygotes.

Submissions (3):

Ambry Genetics
Classification: Uncertain significance for Hereditary cancer-predisposing syndrome. Last evaluated: 2025-08-12. Review status: criteria provided, single submitter. Criteria: Ambry Variant Classification Scheme 2023. Collection method: clinical testing. Allele origin: germline.
Comment: The p.P789L variant (also known as c.2366C>T), located in coding exon 15 of the CDH1 gene, results from a C to T substitution at nucleotide position 2366. The proline at codon 789 is replaced by leucine, an amino acid with similar properties. This amino acid position is conserved. In addition, this alteration is predicted to be deleterious by in silico analysis. Based on the available evidence, the clinical significance of this variant remains unclear.

Labcorp Genetics (formerly Invitae), Labcorp
Classification: Uncertain significance for Hereditary diffuse gastric adenocarcinoma. Last evaluated: 2023-10-10. Review status: criteria provided, single submitter. Criteria: Invitae Variant Classification Sherloc (09022015). Collection method: clinical testing. Allele origin: germline.
Comment: This sequence change replaces proline, which is neutral and non-polar, with leucine, which is neutral and non-polar, at codon 789 of the CDH1 protein (p.Pro789Leu). This variant is not present in population databases (gnomAD no frequency). This variant has not been reported in the literature in individuals affected with CDH1-related conditions. ClinVar contains an entry for this variant (Variation ID: 571861). An algorithm developed to predict the effect of missense changes on protein structure and function (PolyPhen-2) suggests that this variant is likely to be disruptive. In summary, the available evidence is currently insufficient to determine the role of this variant in disease. Therefore, it has been classified as a Variant of Uncertain Significance.

GeneDx
Classification: Uncertain significance. Last evaluated: 2022-12-06. Review status: criteria provided, single submitter. Criteria: GeneDx Variant Classification Process June 2021. Collection method: clinical testing. Allele origin: germline. Affected: yes.
Comment: Not observed at significant frequency in large population cohorts (gnomAD); In silico analysis supports that this missense variant has a deleterious effect on protein structure/function; Has not been previously published as pathogenic or benign to our knowledge; This variant is associated with the following publications: (PMID: 15235021, 22850631)

NM_004360.5(CDH1):c.2366C>T (p.Pro789Leu)

Gene: CDH1 (cadherin 1; plus strand). Cytogenetic location: 16q22.1.
Variant type: single nucleotide variant.
Coding change: c.2366C>T on transcript NM_004360.5 (MANE Select); coding-DNA position 2366, C replaced by T.
Protein change: p.Pro789Leu; replaces proline 789 with leucine.
Molecular consequence: missense variant.
Genome position (GRCh38, 1-based): chr16:68,829,724, C>T. VCF-style: chr16-68829724-C-T. GRCh37 (hg19) VCF-style: chr16-68863627-C-T.
Other names: c.2366C>T (LRG_301t1); c.2183C>T, p.Pro728Leu (NM_001317184.2); c.818C>T, p.Pro273Leu (NM_001317185.2); c.401C>T, p.Pro134Leu (NM_001317186.2); short protein forms P789L, P134L, P728L, P273L.
Identifiers: ClinVar variation 571861 (VCV000571861.10), dbSNP rs1567516121, ClinGen allele CA396471079.
Genomic context (GRCh38, chr16:68,829,724, plus strand): 5'-TGAGCCAGCTGCACAGGGGCCTGGACGCTCGGCCTGAAGTGACTCGTAACGACGTTGCAC[C>T]AACCCTCATGAGTGTCCCCCGGTATCTTCCCCGCCCTGCCAATCCCGATGAAATTGGAAA-3'
Protein context (NP_004351.1, residues 779-799): RPEVTRNDVA[Pro789Leu]TLMSVPRYLP